The following is an entry in ClinVar:

NM_020791.4(TAOK1):c.747A>G (p.Glu249=)

Gene: TAOK1 (TAO kinase 1; plus strand). Cytogenetic location: 17q11.2.
Variant type: single nucleotide variant.
Coding change: c.747A>G on transcript NM_020791.4 (MANE Select); coding-DNA position 747, A replaced by G.
Protein change: p.Glu249=; no amino-acid change (glutamic acid 249 retained).
Molecular consequence: synonymous variant.
Genome position (GRCh38, 1-based): chr17:29,489,755, A>G. VCF-style: chr17-29489755-A-G. GRCh37 (hg19) VCF-style: chr17-27816773-A-G.
Other names: c.747A>G, p.Glu249= (NM_025142.1).
Identifiers: ClinVar variation 3251786 (VCV003251786.1), dbSNP rs1197131858.

ClinVar aggregate classification (germline): Uncertain significance (1 of 4 stars; one submission).

Allele frequency attached by ClinVar (database versions not stated): gnomAD 0.00003; TOPMed 0.00003.
gnomAD v4.1: 6 of 1,588,462 alleles (0.00038%); highest among the groups gnomAD compares: African/African-American, 0.0041%; no homozygotes.

Submission:

Women's Health and Genetics/Laboratory Corporation of America, LabCorp
Classification: Uncertain significance. Last evaluated: 2024-04-23. Review status: criteria provided, single submitter. Criteria: LabCorp Variant Classification Summary - May 2015. Collection method: clinical testing. Allele origin: germline.
Comment: Variant summary: TAOK1 c.747A>G (p.Glu249Glu) alters a conserved nucleotide located close to a canonical splice site and therefore could affect mRNA splicing, leading to a significantly altered protein sequence. Consensus agreement among computation tools predict no significant impact on normal splicing. However, these predictions have yet to be confirmed by functional studies. The variant was absent in 236034 control chromosomes. The available data on variant occurrences in the general population are insufficient to allow any conclusion about variant significance. To our knowledge, no occurrence of c.747A>G in individuals affected with TAOK1-related conditions and no experimental evidence demonstrating its impact on protein function have been reported. No submitters have cited clinical-significance assessments for this variant to ClinVar. Based on the evidence outlined above, the variant was classified as uncertain significance.